The following is an entry in ClinVar:

NM_005458.8(GABBR2):c.154A>G (p.Ser52Gly)

Gene: GABBR2 (gamma-aminobutyric acid type B receptor subunit 2; minus strand). Cytogenetic location: 9q22.33.
Variant type: single nucleotide variant.
Coding change: c.154A>G on transcript NM_005458.8 (MANE Select); coding-DNA position 154, A replaced by G.
Protein change: p.Ser52Gly; replaces serine 52 with glycine.
Molecular consequence: missense variant.
Genome position (GRCh38, 1-based): chr9:98,708,584, T>C on the plus strand (A>G on the coding strand, the complement: GABBR2 is on the minus strand). VCF-style: chr9-98708584-T-C. GRCh37 (hg19) VCF-style: chr9-101470866-T-C.
Other names: short protein forms S52G.
Identifiers: ClinVar variation 3643957 (VCV003643957.2).

ClinVar aggregate classification (germline): Uncertain significance (1 of 4 stars; one submission).

Conditions:
Epileptic encephalopathy. Identifiers: MedGen C0543888, HP:0200134.

Submission:

Labcorp Genetics (formerly Invitae), Labcorp
Classification: Uncertain significance for Epileptic encephalopathy. Last evaluated: 2025-01-19. Review status: criteria provided, single submitter. Criteria: Invitae Variant Classification Sherloc (09022015). Collection method: clinical testing. Allele origin: germline.
Comment: This sequence change replaces serine, which is neutral and polar, with glycine, which is neutral and non-polar, at codon 52 of the GABBR2 protein (p.Ser52Gly). This variant is not present in population databases (gnomAD no frequency). This variant has not been reported in the literature in individuals affected with GABBR2-related conditions. Invitae Evidence Modeling of protein sequence and biophysical properties (such as structural, functional, and spatial information, amino acid conservation, physicochemical variation, residue mobility, and thermodynamic stability) indicates that this missense variant is not expected to disrupt GABBR2 protein function with a negative predictive value of 80%. In summary, the available evidence is currently insufficient to determine the role of this variant in disease. Therefore, it has been classified as a Variant of Uncertain Significance.